The following is an entry in ClinVar:

ClinVar aggregate classification (germline): Likely pathogenic (1 of 4 stars; one submission).

Conditions:
Ichthyosis vulgaris. Also called: ICHTHYOSIS SIMPLEX; Dominant ichthyosis vulgaris. Identifiers: MedGen C0079584, MONDO:0024304, OMIM 146700.
Dermatitis, atopic, 2. Identifiers: MedGen C1853965, MONDO:0011596, OMIM 605803.

gnomAD v4.1: 9 of 1,613,870 alleles (0.00056%); highest among the groups gnomAD compares: East Asian, 0.016%; no homozygotes.

Submission:

Juno Genomics, Hangzhou Juno Genomics, Inc
Classification: Likely pathogenic for Dermatitis, atopic, 2; Ichthyosis vulgaris. Review status: criteria provided, single submitter. Criteria: ACMG Guidelines, 2015. Collection method: clinical testing. Allele origin: germline.
Comment: Absent from controls (or at extremely low frequency if recessive) in Genome Aggregation Database.;Null variant in a gene where loss of function (LOF) is a known mechanism of disease.;The prevalence of the variant in affected individuals is significantly increased compared to the prevalence in controls.

NM_002016.2(FLG):c.5233C>T (p.Gln1745Ter)

Genes: CCDST (cervical cancer associated DHX9 suppressive transcript; plus strand), FLG (filaggrin; minus strand). Cytogenetic location: 1q21.3.
Variant type: single nucleotide variant.
Coding change: c.5233C>T on transcript NM_002016.2 (MANE Select); coding-DNA position 5233, C replaced by T.
Protein change: p.Gln1745Ter; replaces glutamine 1745 with a stop codon.
Molecular consequence: nonsense.
Genome position (GRCh38, 1-based): chr1:152,309,653, G>A on the plus strand (C>T on the coding strand, the complement: FLG is on the minus strand). VCF-style: chr1-152309653-G-A. GRCh37 (hg19) VCF-style: chr1-152282129-G-A.
Other names: short protein forms Q1745*.
Identifiers: ClinVar variation 5018620 (VCV005018620.2).